The following is an entry in ClinVar:

NM_152263.4(TPM3):c.643-3C>T

Gene: TPM3 (tropomyosin 3; minus strand). Cytogenetic location: 1q21.3.
Variant type: single nucleotide variant.
Coding change: c.643-3C>T on transcript NM_152263.4 (MANE Select); 3 bases into the intron before coding-DNA position 643, C replaced by T.
Molecular consequence: intron variant.
Genome position (GRCh38, 1-based): chr1:154,170,714, G>A on the plus strand (C>T on the coding strand, the complement: TPM3 is on the minus strand). VCF-style: chr1-154170714-G-A. GRCh37 (hg19) VCF-style: chr1-154143190-G-A.
Other names: c.643-3C>T (NM_152263.3, NM_001364679.2, NM_001364681.2 and 2 more transcripts); c.334-3C>T (NM_001278188.2); c.532-3C>T (NM_001043351.2, NM_001043353.2, NM_001349679.2 and 4 more transcripts); c.532-245C>T (NM_001278190.2); c.262-3C>T (NM_001278191.2).
Identifiers: ClinVar variation 509511 (VCV000509511.9), dbSNP rs529845435, ClinGen allele CA1125562.

ClinVar aggregate classification (germline): Conflicting classifications of pathogenicity. Review status: criteria provided, conflicting classifications (1 of 4 stars). 3 submissions from 3 submitters: Uncertain significance (2); Likely benign (1). Last evaluated 2026-01-24.

Conditions:
Congenital myopathy with fiber type disproportion. Also called: Congenital fiber-type disproportion myopathy; Congenital fiber-type disproportion. Identifiers: Orphanet 2020, MedGen C0546264, MONDO:0009711. Inheritance: all.
Congenital myopathy 4B, autosomal recessive. Also called: Nemaline myopathy 1, autosomal dominant or recessive. Identifiers: Orphanet 171433, Orphanet 171439, Orphanet 171881, MedGen C5829889, MONDO:0012239, OMIM 609284.

Allele frequency attached by ClinVar (database versions not stated): ExAC 0.00001; gnomAD 0.00001; gnomAD exomes 0.00001; 1000 Genomes Project 30x 0.00016; 1000 Genomes Project 0.00020.
gnomAD v4.1: 19 of 1,592,458 alleles (0.0012%); highest among the groups gnomAD compares: South Asian, 0.018%; no homozygotes.

Submissions (3):

Labcorp Genetics (formerly Invitae), Labcorp
Classification: Uncertain significance for Congenital myopathy with fiber type disproportion; Congenital myopathy 4B, autosomal recessive. Last evaluated: 2026-01-24. Review status: criteria provided, single submitter. Criteria: Invitae Variant Classification Sherloc (09022015). Collection method: clinical testing. Allele origin: germline.
Comment: This sequence change falls in intron 6 of the TPM3 gene. It does not directly change the encoded amino acid sequence of the TPM3 protein. It affects a nucleotide within the consensus splice site. This variant is present in population databases (rs529845435, gnomAD 0.0009%). This variant has not been reported in the literature in individuals affected with TPM3-related conditions. ClinVar contains an entry for this variant (Variation ID: 509511). Variants that disrupt the consensus splice site are a relatively common cause of aberrant splicing (PMID: 17576681, 9536098). Algorithms developed to predict the effect of sequence changes on RNA splicing suggest that this variant is not likely to affect RNA splicing. In summary, the available evidence is currently insufficient to determine the role of this variant in disease. Therefore, it has been classified as a Variant of Uncertain Significance.

Revvity Omics, Revvity
Classification: Uncertain significance. Last evaluated: 2023-07-12. Review status: criteria provided, single submitter. Criteria: ACMG Guidelines, 2015. Collection method: clinical testing. Allele origin: germline.

GeneDx
Classification: Likely benign. Last evaluated: 2017-05-10. Review status: criteria provided, single submitter. Criteria: GeneDx Variant Classification (06012015). Collection method: clinical testing. Allele origin: germline. Affected: yes.
Comment: This variant is considered likely benign or benign based on one or more of the following criteria: it is a conservative change, it occurs at a poorly conserved position in the protein, it is predicted to be benign by multiple in silico algorithms, and/or has population frequency not consistent with disease.

Literature cited by the submitters: PubMed 17576681 (cited by Labcorp Genetics (formerly Invitae), Labcorp); PubMed 9536098 (cited by Labcorp Genetics (formerly Invitae), Labcorp).